The following is an entry in ClinVar:

ClinVar aggregate classification (germline): Uncertain significance (1 of 4 stars; one submission).

Submission:

Labcorp Genetics (formerly Invitae), Labcorp
Classification: Uncertain significance. Last evaluated: 2026-01-19. Review status: criteria provided, single submitter. Criteria: Invitae Variant Classification Sherloc (09022015). Collection method: clinical testing. Allele origin: germline.
Comment: This sequence change replaces glutamine, which is neutral and polar, with histidine, which is basic and polar, at codon 407 of the SBF1 protein (p.Gln407His). This variant is not present in population databases (gnomAD no frequency). This variant has not been reported in the literature in individuals affected with SBF1-related conditions. Invitae Evidence Modeling of protein sequence and biophysical properties (such as structural, functional, and spatial information, amino acid conservation, physicochemical variation, residue mobility, and thermodynamic stability) has been performed for this missense variant. However, the output from this modeling did not meet the statistical confidence thresholds required to predict the impact of this variant on SBF1 protein function. In summary, the available evidence is currently insufficient to determine the role of this variant in disease. Therefore, it has been classified as a Variant of Uncertain Significance.

NM_002972.4(SBF1):c.1221G>C (p.Gln407His)

Gene: SBF1 (SET binding factor 1; minus strand). Cytogenetic location: 22q13.33.
Variant type: single nucleotide variant.
Coding change: c.1221G>C on transcript NM_002972.4 (MANE Select); coding-DNA position 1221, G replaced by C.
Protein change: p.Gln407His; replaces glutamine 407 with histidine.
Molecular consequence: missense variant.
Genome position (GRCh38, 1-based): chr22:50,465,112, C>G on the plus strand (G>C on the coding strand, the complement: SBF1 is on the minus strand). VCF-style: chr22-50465112-C-G. GRCh37 (hg19) VCF-style: chr22-50903541-C-G.
Other names: c.1224G>C, p.Gln408His (NM_001365819.1, NM_001410794.1); c.1221G>C, p.Gln407His (NM_001410795.1); short protein forms Q407H, Q408H.
Identifiers: ClinVar variation 4743230 (VCV004743230.1).
Genomic context (GRCh38, chr22:50,465,112, plus strand): 5'-GCCAGCAAAGGCCATGCCCTCCAGCACCTTCATCAGGAAATCGTCCTCTACCAGCCCACG[C>G]TGGCCCAGGAAGGCTGCCTGGATGACAGAAGGAGGTCGGTCCCTCAGGGGTCTCCACCAT-3'
Protein context (NP_002963.2, residues 397-417): IRFHKAAFLG[Gln407His]RGLVEDDFLM